The following is an entry in ClinVar:

ClinVar aggregate classification (germline): Benign. Review status: criteria provided, single submitter (1 of 4 stars). 2 submissions from 2 submitters: Benign (1). 1 of the submissions does not count toward it. Last evaluated 2024-11-25.

Conditions:
SFTPA2-related disorder. Also called: SFTPA2-related condition.

Allele frequency attached by ClinVar (database versions not stated): TOPMed 0.00009; 1000 Genomes Project 30x 0.00047; 1000 Genomes Project 0.00060; gnomAD exomes 0.00065; ExAC 0.00103; gnomAD 0.00168.

Submissions (2):

Blueprint Genetics
Classification: Benign. Last evaluated: 2024-11-25. Review status: criteria provided, single submitter. Criteria: ACMG Guidelines, 2015. Collection method: clinical testing. Allele origin: germline.

PreventionGenetics, part of Exact Sciences
Classification: Benign for SFTPA2-related condition. Last evaluated: 2020-11-23. Review status: no assertion criteria provided. Collection method: clinical testing. Allele origin: germline. Not counted in ClinVar's aggregate classification.
Comment: This variant is classified as benign based on ACMG/AMP sequence variant interpretation guidelines (Richards et al. 2015 PMID: 25741868, with internal and published modifications).

NM_001098668.4(SFTPA2):c.657G>A (p.Arg219=)

Gene: SFTPA2 (surfactant protein A2; minus strand). Cytogenetic location: 10q22.3.
Variant type: single nucleotide variant.
Coding change: c.657G>A on transcript NM_001098668.4 (MANE Select); coding-DNA position 657, G replaced by A.
Protein change: p.Arg219=; no amino-acid change (arginine 219 retained).
Molecular consequence: synonymous variant.
Genome position (GRCh38, 1-based): chr10:79,557,299, C>T on the plus strand (G>A on the coding strand, the complement: SFTPA2 is on the minus strand). VCF-style: chr10-79557299-C-T. GRCh37 (hg19) VCF-style: chr10-81317055-C-T.
Other names: c.657G>A, p.Arg219= (NM_001320813.2); c.687G>A, p.Arg229= (NM_001320814.1).
Identifiers: ClinVar variation 3047064 (VCV003047064.3), dbSNP rs571610539, ClinGen allele CA5573985.